The following is an entry in ClinVar:

ClinVar aggregate classification (germline): Pathogenic/Likely pathogenic. Review status: criteria provided, multiple submitters, no conflicts (2 of 4 stars). 5 submissions from 5 submitters: Pathogenic (2); Likely pathogenic (2). 1 of the submissions does not count toward it. Last evaluated 2025-06-09.

Conditions:
Finnish congenital nephrotic syndrome (NPHS1). Also called: NEPHROTIC SYNDROME, TYPE 1. Identifiers: Orphanet 839, MedGen C0403399, MONDO:0009732, OMIM 256300.

Submissions (5):

Natera, Inc.
Classification: Likely pathogenic for Finnish congenital nephrotic syndrome. Last evaluated: 2025-06-09. Review status: criteria provided, single submitter. Criteria: Natera Variant Classification Schema (03/2026). Collection method: clinical testing. Allele origin: germline.
Comment: The c.2663G>A variant in NPHS1 is a missense variant predicted to cause substitution of arginine to lysine at amino acid 888. This variant is rare in the general population with a frequency below the threshold expected for the associated phenotype(s). This variant has been observed in one or more individuals affected with the associated recessive disease, as either homozygous or compound heterozygous with a second variant (PMID: 40115459, 37204080, 38322629, 31587616). Computational prediction algorithms indicate this variant is likely to affect gene or protein function. Given the available evidence, this variant is classified as Likely Pathogenic.

Women's Health and Genetics/Laboratory Corporation of America, LabCorp
Classification: Pathogenic for Finnish congenital nephrotic syndrome. Last evaluated: 2024-09-26. Review status: criteria provided, single submitter. Criteria: LabCorp Variant Classification Summary - May 2015. Collection method: clinical testing. Allele origin: germline.
Comment: Variant summary: NPHS1 c.2663G>A (p.Arg888Lys) results in a conservative amino acid change located in the Immunoglobulin subtype 2 domain (IPR003598) of the encoded protein sequence. Three of five in-silico tools predict a benign effect of the variant on protein function. In addition, this variant disrupts the last nucleotide of exon 19, and therefore may affect splicing. Several computational tools predict a significant impact on normal splicing: four predict the variant weakens a 5' donor site. However, these predictions have yet to be confirmed by functional studies. The variant was absent in 229072 control chromosomes (gnomAD). c.2663G>A has been reported in the literature in both homozygous and compound heterozygous individuals affected with Nephrotic Syndrome (e.g., Wang_2017, Gungor_2021, Rong_2021, AlRiyami_2023). These data indicate that the variant is very likely to be associated with disease. To our knowledge, no experimental evidence demonstrating an impact on protein function has been reported. The following publications have been ascertained in the context of this evaluation (PMID: 31456999, 31587616, 28160156, 34859019, 28204945, 37204080). ClinVar contains an entry for this variant (Variation ID: 554911). Based on the evidence outlined above, the variant was classified as pathogenic.

Labcorp Genetics (formerly Invitae), Labcorp
Classification: Pathogenic. Last evaluated: 2024-01-22. Review status: criteria provided, single submitter. Criteria: Invitae Variant Classification Sherloc (09022015). Collection method: clinical testing. Allele origin: germline.
Comment: This sequence change replaces arginine, which is basic and polar, with lysine, which is basic and polar, at codon 888 of the NPHS1 protein (p.Arg888Lys). This variant also falls at the last nucleotide of exon 19, which is part of the consensus splice site for this exon. This variant is not present in population databases (gnomAD no frequency). This missense change has been observed in individual(s) with nephrotic syndrome (PMID: 31456999, 31587616, 34859019). In at least one individual the data is consistent with being in trans (on the opposite chromosome) from a pathogenic variant. ClinVar contains an entry for this variant (Variation ID: 554911). An algorithm developed to predict the effect of missense changes on protein structure and function (PolyPhen-2) suggests that this variant is likely to be disruptive. Variants that disrupt the consensus splice site are a relatively common cause of aberrant splicing (PMID: 17576681, 9536098). Algorithms developed to predict the effect of sequence changes on RNA splicing suggest that this variant may disrupt the consensus splice site. For these reasons, this variant has been classified as Pathogenic.

Baylor Genetics
Classification: Likely pathogenic for Finnish congenital nephrotic syndrome. Last evaluated: 2022-03-28. Review status: criteria provided, single submitter. Criteria: ACMG Guidelines, 2015. Collection method: clinical testing. Allele origin: unknown.

Counsyl
Classification: Uncertain significance for Finnish congenital nephrotic syndrome. Last evaluated: 2017-11-08. Review status: no assertion criteria provided. Collection method: clinical testing. Allele origin: unknown. Not counted in ClinVar's aggregate classification.

Literature cited by the submitters: PubMed 40115459 (cited by Natera, Inc.); PubMed 37204080 (cited by Natera, Inc. and Women's Health and Genetics/Laboratory Corporation of America, LabCorp); PubMed 38322629 (cited by Natera, Inc.); PubMed 31587616 (cited by 3 submitters); PubMed 28204945 (cited by Women's Health and Genetics/Laboratory Corporation of America, LabCorp and Counsyl); PubMed 31456999 (cited by Women's Health and Genetics/Laboratory Corporation of America, LabCorp and Labcorp Genetics (formerly Invitae), Labcorp); PubMed 34859019 (cited by Women's Health and Genetics/Laboratory Corporation of America, LabCorp and Labcorp Genetics (formerly Invitae), Labcorp); PubMed 28160156 (cited by Women's Health and Genetics/Laboratory Corporation of America, LabCorp and Counsyl); PubMed 17576681 (cited by Labcorp Genetics (formerly Invitae), Labcorp); PubMed 9536098 (cited by Labcorp Genetics (formerly Invitae), Labcorp).

NM_004646.4(NPHS1):c.2663G>A (p.Arg888Lys)

Gene: NPHS1 (NPHS1 adhesion molecule, nephrin; minus strand). Cytogenetic location: 19q13.12.
Variant type: single nucleotide variant.
Coding change: c.2663G>A on transcript NM_004646.4 (MANE Select); coding-DNA position 2663, G replaced by A.
Protein change: p.Arg888Lys; replaces arginine 888 with lysine.
Molecular consequence: missense variant.
Genome position (GRCh38, 1-based): chr19:35,842,124, C>T on the plus strand (G>A on the coding strand, the complement: NPHS1 is on the minus strand). VCF-style: chr19-35842124-C-T. GRCh37 (hg19) VCF-style: chr19-36333026-C-T.
Other names: short protein forms R888K.
Identifiers: ClinVar variation 554911 (VCV000554911.9), dbSNP rs778951863, ClinGen allele CA405391027.